The following is an entry in ClinVar:

NM_000340.2(SLC2A2):c.901C>T (p.Arg301Ter)

Gene: SLC2A2 (solute carrier family 2 member 2; minus strand). Cytogenetic location: 3q26.2.
Variant type: single nucleotide variant.
Coding change: c.901C>T on transcript NM_000340.2 (MANE Select); coding-DNA position 901, C replaced by T.
Protein change: p.Arg301Ter; replaces arginine 301 with a stop codon.
Molecular consequence: nonsense.
Genome position (GRCh38, 1-based): chr3:171,005,347, G>A on the plus strand (C>T on the coding strand, the complement: SLC2A2 is on the minus strand). VCF-style: chr3-171005347-G-A. GRCh37 (hg19) VCF-style: chr3-170723136-G-A.
Other names: c.544C>T, p.Arg182Ter (NM_001278658.2); c.382C>T, p.Arg128Ter (NM_001278659.2); short protein forms R301*, R182*, R128*.
Identifiers: ClinVar variation 16093 (VCV000016093.18), dbSNP rs121909743, ClinGen allele CA020034.

ClinVar aggregate classification (germline): Pathogenic. Review status: criteria provided, multiple submitters, no conflicts (2 of 4 stars). 7 submissions from 7 submitters: Pathogenic (6). 1 of the submissions does not count toward it. Last evaluated 2024-02-12.

Conditions:
Type 2 diabetes mellitus. Also called: Type II diabetes mellitus. Identifiers: MedGen C0011860, MeSH D003924, MONDO:0005148, OMIM 125853, HP:0005978.
Fanconi-Bickel syndrome (FBS). Also called: FANCONI SYNDROME WITH INTESTINAL MALABSORPTION AND GALACTOSE INTOLERANCE; HEPATIC GLYCOGENOSIS WITH AMINO ACIDURIA AND GLUCOSURIA; HEPATIC GLYCOGENOSIS WITH FANCONI NEPHROPATHY; HEPATORENAL GLYCOGENOSIS WITH RENAL FANCONI SYNDROME; PSEUDO-PHLORIZIN DIABETES; Glycogen storage disease due to GLUT2 deficiency. Identifiers: Orphanet 2088, MedGen C3495427, MONDO:0009216, OMIM 227810.

Allele frequency attached by ClinVar (database versions not stated): gnomAD 0.00004 and 0.00003; gnomAD exomes below 0.00001 and 0.00002; ExAC 0.00001; TOPMed 0.00002.
gnomAD v4.1: 39 of 1,612,828 alleles (0.0024%); highest among the groups gnomAD compares: African/African-American, 0.0027%; no homozygotes.

Submissions (7):

Fulgent Genetics
Classification: Pathogenic for Type 2 diabetes mellitus; Fanconi-Bickel syndrome. Last evaluated: 2024-02-12. Review status: criteria provided, single submitter. Criteria: ACMG Guidelines, 2015. Collection method: clinical testing. Allele origin: germline.

Revvity Omics, Revvity
Classification: Pathogenic for Fanconi-Bickel syndrome. Last evaluated: 2023-04-13. Review status: criteria provided, single submitter. Criteria: ACMG Guidelines, 2015. Collection method: clinical testing. Allele origin: germline.

Department of Pathology and Laboratory Medicine, Sinai Health System
Classification: Pathogenic for Type 2 diabetes mellitus; Fanconi-Bickel syndrome. Last evaluated: 2023-03-20. Review status: criteria provided, single submitter. Criteria: ACMG Guidelines, 2015. Collection method: research. Allele origin: germline.

Labcorp Genetics (formerly Invitae), Labcorp
Classification: Pathogenic for Fanconi-Bickel syndrome. Last evaluated: 2022-04-09. Review status: criteria provided, single submitter. Criteria: Invitae Variant Classification Sherloc (09022015). Collection method: clinical testing. Allele origin: germline.
Comment: For these reasons, this variant has been classified as Pathogenic. ClinVar contains an entry for this variant (Variation ID: 16093). This premature translational stop signal has been observed in individual(s) with Fanconi-Bickel syndrome (PMID: 9354798, 24718840, 27487919). This variant is present in population databases (rs121909743, gnomAD 0.01%). This sequence change creates a premature translational stop signal (p.Arg301*) in the SLC2A2 gene. It is expected to result in an absent or disrupted protein product. Loss-of-function variants in SLC2A2 are known to be pathogenic (PMID: 11810292).

Illumina Laboratory Services, Illumina
Classification: Pathogenic for Fanconi-Bickel syndrome. Last evaluated: 2018-09-19. Review status: criteria provided, single submitter. Criteria: ICSL Variant Classification Criteria 09 May 2019. Collection method: clinical testing. Allele origin: germline.
Comment: The SLC2A2 c.901C>T (p.Arg301Ter) variant is a stop-gained variant that is predicted to result in a premature termination of the protein. The p.Arg301Ter variant has been reported in at least four studies in which it is found in a total of 17 individuals with Fanconi-Bickel syndrome, including in 16 in a homozygous state and in one in a compound heterozygous state with a nonsense variant (Santer et al. 2002; Su et al. 2011; Fridman et al. 2014; Dweikat et al. 2016). The variant was also found in a heterozygous state in two unaffected individuals (Su et al. 2011). Control data are unavailable for this variant, which is reported at a frequency of 0.000102 in the Ashkenazi Jewish population of the Genome Aggregation Database but this is based on one allele in a region of good sequence coverage so the variant is presumed to be rare. Due to the potential impact of stop-gained variants and the evidence from the literature, the p.Arg301Ter variant is classified as pathogenic for Fanconi-Bickel syndrome. This variant was observed by ICSL as part of a predisposition screen in an ostensibly healthy population.

Institute of Human Genetics, University of Leipzig Medical Center
Classification: Pathogenic for Fanconi-Bickel syndrome. Last evaluated: 2017-05-12. Review status: criteria provided, single submitter. Criteria: ACMG Guidelines, 2015. Collection method: clinical testing. Allele origin: germline. Affected: yes. Observed: 1 variant allele.

OMIM
Classification: Pathogenic for FANCONI-BICKEL SYNDROME. Last evaluated: 2002-01-01. Review status: no assertion criteria provided. Collection method: literature only. Allele origin: germline. Not counted in ClinVar's aggregate classification.

Literature cited by the submitters: PubMed 9354798 (cited by Labcorp Genetics (formerly Invitae), Labcorp and OMIM); PubMed 24718840 (cited by Labcorp Genetics (formerly Invitae), Labcorp and Illumina Laboratory Services, Illumina); PubMed 27487919 (cited by Labcorp Genetics (formerly Invitae), Labcorp and Illumina Laboratory Services, Illumina); PubMed 11810292 (cited by 3 submitters); PubMed 22145468 (cited by Illumina Laboratory Services, Illumina); PubMed 15397919 (cited by OMIM); PubMed 13480676 (cited by OMIM); Steinmann, B., Zeller, L. Personal Communication. 1997. Zurich and Santa Maria Calanca, Switzerland (cited by OMIM).